The following is an entry in ClinVar:

ClinVar aggregate classification (germline): Likely pathogenic (1 of 4 stars; one submission).

Submission:

GeneDx
Classification: Likely pathogenic. Last evaluated: 2023-04-12. Review status: criteria provided, single submitter. Criteria: GeneDx Variant Classification Process June 2021. Collection method: clinical testing. Allele origin: germline. Affected: yes.
Comment: Observed in heterozygous state in patient with frontotemporal dementia in published literature (Mao et al., 2019); Frameshift variant predicted to result in nonsense mediated decay in a gene for which loss of function is a known mechanism of disease; Not observed at significant frequency in large population cohorts (gnomAD); This variant is associated with the following publications: (PMID: 31361008)

NM_002087.4(GRN):c.1317del (p.Arg440fs)

Gene: GRN (granulin precursor; plus strand). Cytogenetic location: 17q21.31.
Variant type: Deletion.
Coding change: c.1317del on transcript NM_002087.4 (MANE Select); coding-DNA position 1317, one base deleted (C; older notation c.1317delC).
Protein change: p.Arg440fs; shifts the reading frame from arginine 440.
Molecular consequence: frameshift variant.
Genome position (GRCh38, 1-based): chr17:44,352,152, C deleted; the last of 4 consecutive C bases (chr17:44,352,149-44,352,152); deleting any one gives the same sequence. VCF-style (leftmost placement, unchanged base first): chr17-44352148-AC-A. GRCh37 (hg19) VCF-style: chr17-42429516-AC-A.
Other names: c.1317delC, p.Arg440Glufs (NM_002087.2); short protein forms R440fs.
Identifiers: ClinVar variation 3340778 (VCV003340778.1).